The following is an entry in ClinVar:

NM_001142800.2(EYS):c.6078+3A>G

Gene: EYS (EGF-like photoreceptor maintenance factor; minus strand). Cytogenetic location: 6q12.
Variant type: single nucleotide variant.
Coding change: c.6078+3A>G on transcript NM_001142800.2 (MANE Select); 3 bases into the intron after coding-DNA position 6078, A replaced by G.
Molecular consequence: intron variant.
Genome position (GRCh38, 1-based): chr6:64,388,687, T>C on the plus strand (A>G on the coding strand, the complement: EYS is on the minus strand). VCF-style: chr6-64388687-T-C. GRCh37 (hg19) VCF-style: chr6-65098580-T-C.
Other names: c.6078+3A>G (NM_001292009.2).
Identifiers: ClinVar variation 1392568 (VCV001392568.7), dbSNP rs1400181347, ClinGen allele CA567736181.

ClinVar aggregate classification (germline): Uncertain significance. Review status: criteria provided, single submitter (1 of 4 stars). 2 submissions from 2 submitters: Uncertain significance (1). 1 of the submissions does not count toward it. Last evaluated 2021-10-13.

Conditions:
Retinal dystrophy. Also called: Inherited retinal dystrophy. Identifiers: Orphanet 71862, MedGen C0854723, MeSH D058499, MONDO:0019118, HP:0000556.

Allele frequency attached by ClinVar (database versions not stated): gnomAD exomes below 0.00001.
gnomAD v4.1: 1 of 1,525,556 alleles (0.000066%); highest among the groups gnomAD compares: Non-Finnish European, 0.000088%; no homozygotes.

Submissions (2):

Labcorp Genetics (formerly Invitae), Labcorp
Classification: Uncertain significance. Last evaluated: 2021-10-13. Review status: criteria provided, single submitter. Criteria: Invitae Variant Classification Sherloc (09022015). Collection method: clinical testing. Allele origin: germline.
Comment: This sequence change falls in intron 29 of the EYS gene. It does not directly change the encoded amino acid sequence of the EYS protein. It affects a nucleotide within the consensus splice site. This variant is not present in population databases (ExAC no frequency). In summary, the available evidence is currently insufficient to determine the role of this variant in disease. Therefore, it has been classified as a Variant of Uncertain Significance. Variants that disrupt the consensus splice site are a relatively common cause of aberrant splicing (PMID: 17576681, 9536098). Algorithms developed to predict the effect of sequence changes on RNA splicing suggest that this variant may disrupt the consensus splice site. This variant has not been reported in the literature in individuals affected with EYS-related conditions.

Institute of Human Genetics, Univ. Regensburg, Univ. Regensburg
Classification: Uncertain significance for Retinal dystrophy. Last evaluated: 2016-01-01. Review status: no assertion criteria provided. Criteria: ACMG Guidelines, 2015. Collection method: clinical testing. Allele origin: germline. Affected: yes. Not counted in ClinVar's aggregate classification.

Literature cited by the submitters: PubMed 17576681 (cited by Labcorp Genetics (formerly Invitae), Labcorp); PubMed 9536098 (cited by Labcorp Genetics (formerly Invitae), Labcorp).